The following is an entry in ClinVar:

ClinVar aggregate classification (germline): Uncertain significance (1 of 4 stars; one submission).

Allele frequency attached by ClinVar (database versions not stated): ExAC 0.00001; gnomAD exomes 0.00001.
gnomAD v4.1: 7 of 1,613,396 alleles (0.00043%); highest among the groups gnomAD compares: South Asian, 0.0077%; no homozygotes.

Submission:

GeneDx
Classification: Uncertain significance. Last evaluated: 2019-12-06. Review status: criteria provided, single submitter. Criteria: GeneDx Variant Classification Process June 2021. Collection method: clinical testing. Allele origin: germline. Affected: yes.
Comment: In silico analysis, which includes splice predictors and evolutionary conservation, supports that this variant does not alter protein structure/function; Has not been previously published as pathogenic or benign to our knowledge

NM_000165.5(GJA1):c.195C>T (p.Cys65=)

Gene: GJA1 (gap junction protein alpha 1; plus strand). Cytogenetic location: 6q22.31.
Variant type: single nucleotide variant.
Coding change: c.195C>T on transcript NM_000165.5 (MANE Select); coding-DNA position 195, C replaced by T.
Protein change: p.Cys65=; no amino-acid change (cysteine 65 retained).
Molecular consequence: synonymous variant.
Genome position (GRCh38, 1-based): chr6:121,447,042, C>T. VCF-style: chr6-121447042-C-T. GRCh37 (hg19) VCF-style: chr6-121768188-C-T.
Identifiers: ClinVar variation 1310819 (VCV001310819.2), dbSNP rs770356522, ClinGen allele CA3981665.